The following is an entry in ClinVar:

ClinVar aggregate classification (germline): Conflicting classifications of pathogenicity. Review status: criteria provided, conflicting classifications (1 of 4 stars). 4 submissions from 4 submitters: Likely pathogenic (1); Uncertain significance (3). Last evaluated 2026-08-06.

Conditions:
Developmental and epileptic encephalopathy 94 (DEE94). Also called: CHD2-Related Neurodevelopmental Disorders; Epileptic encephalopathy, childhood-onset. Identifiers: Orphanet 1942, Orphanet 2382, MedGen C3809278, MONDO:0014150, OMIM 615369.

Allele frequency attached by ClinVar (database versions not stated): gnomAD 0.00001; TOPMed 0.00002.
gnomAD v4.1: 2 of 1,602,956 alleles (0.00012%); highest among the groups gnomAD compares: South Asian, 0.0011%; no homozygotes.

Submissions (4):

OLLIN Analises Genomicas, OLLIN
Classification: Uncertain significance for Developmental and epileptic encephalopathy 94. Last evaluated: 2026-08-06. Review status: criteria provided, single submitter. Criteria: ACMG Guidelines 2015 PMID 25741868. Collection method: clinical testing. Allele origin: germline. Inheritance: Autosomal dominant inheritance.
Comment: This missense variant, located in exon 25 (of 39), has been reported in ClinVar (accession VCV000813801.7) and in gnomAD with an allele frequency of 0.00012%. However, to our knowledge, it has not been reported in the scientific literature. In silico analysis predicts that this variant has a tolerated effect. According to the currently available evidence, this variant has been classified as uncertain significance (PM2_P, BP4_M).

Labcorp Genetics (formerly Invitae), Labcorp
Classification: Uncertain significance for Developmental and epileptic encephalopathy 94. Last evaluated: 2024-01-15. Review status: criteria provided, single submitter. Criteria: Invitae Variant Classification Sherloc (09022015). Collection method: clinical testing. Allele origin: germline.
Comment: This sequence change replaces arginine, which is basic and polar, with cysteine, which is neutral and slightly polar, at codon 1038 of the CHD2 protein (p.Arg1038Cys). This variant is not present in population databases (gnomAD no frequency). This variant has not been reported in the literature in individuals affected with CHD2-related conditions. ClinVar contains an entry for this variant (Variation ID: 813801). Advanced modeling of protein sequence and biophysical properties (such as structural, functional, and spatial information, amino acid conservation, physicochemical variation, residue mobility, and thermodynamic stability) performed at Invitae indicates that this missense variant is not expected to disrupt CHD2 protein function with a negative predictive value of 95%. In summary, the available evidence is currently insufficient to determine the role of this variant in disease. Therefore, it has been classified as a Variant of Uncertain Significance.

Blueprint Genetics
Classification: Uncertain significance. Last evaluated: 2021-11-18. Review status: criteria provided, single submitter. Criteria: ACMG Guidelines, 2015. Collection method: clinical testing. Allele origin: germline.

Cytogénomique, Hospices Civils de Lyon
Classification: Likely pathogenic for Developmental and epileptic encephalopathy 94. Last evaluated: 2018-10-26. Review status: criteria provided, single submitter. Criteria: ACMG Guidelines, 2015. Collection method: clinical testing. Allele origin: unknown. Inheritance: Autosomal dominant inheritance. Affected: yes.

NM_001271.4(CHD2):c.3112C>T (p.Arg1038Cys)

Gene: CHD2 (chromodomain helicase DNA binding protein 2; plus strand). Cytogenetic location: 15q26.1.
Variant type: single nucleotide variant.
Coding change: c.3112C>T on transcript NM_001271.4 (MANE Select); coding-DNA position 3112, C replaced by T.
Protein change: p.Arg1038Cys; replaces arginine 1038 with cysteine.
Molecular consequence: missense variant.
Genome position (GRCh38, 1-based): chr15:92,984,375, C>T. VCF-style: chr15-92984375-C-T. GRCh37 (hg19) VCF-style: chr15-93527605-C-T.
Other names: short protein forms R1038C.
Identifiers: ClinVar variation 813801 (VCV000813801.9), dbSNP rs1024223144, ClinGen allele CA274859017.